The following is an entry in ClinVar:

ClinVar aggregate classification (germline): Uncertain significance (1 of 4 stars; one submission).

Conditions:
Ataxia-telangiectasia syndrome (AT). Also called: ATAXIA-TELANGIECTASIA, COMPLEMENTATION GROUP A; ATAXIA-TELANGIECTASIA, FRESNO VARIANT; Ataxia-telangiectasia; Ataxia-telangiectasia, complementation group E; Ataxia telangiectasia (A-T); LOUIS-BAR SYNDROME. Identifiers: Orphanet 100, MedGen C0004135, MONDO:0008840, OMIM 208900.

Submission:

Labcorp Genetics (formerly Invitae), Labcorp
Classification: Uncertain significance for Ataxia-telangiectasia syndrome. Last evaluated: 2024-12-04. Review status: criteria provided, single submitter. Criteria: Invitae Variant Classification Sherloc (09022015). Collection method: clinical testing. Allele origin: germline.
Comment: This sequence change replaces glycine, which is neutral and non-polar, with glutamic acid, which is acidic and polar, at codon 1613 of the ATM protein (p.Gly1613Glu). This variant is not present in population databases (gnomAD no frequency). This variant has not been reported in the literature in individuals affected with ATM-related conditions. Invitae Evidence Modeling of protein sequence and biophysical properties (such as structural, functional, and spatial information, amino acid conservation, physicochemical variation, residue mobility, and thermodynamic stability) has been performed for this missense variant. However, the output from this modeling did not meet the statistical confidence thresholds required to predict the impact of this variant on ATM protein function. In summary, the available evidence is currently insufficient to determine the role of this variant in disease. Therefore, it has been classified as a Variant of Uncertain Significance.

NM_000051.4(ATM):c.4838G>A (p.Gly1613Glu)

Gene: ATM (ATM serine/threonine kinase; plus strand). Cytogenetic location: 11q22.3.
Variant type: single nucleotide variant.
Coding change: c.4838G>A on transcript NM_000051.4 (MANE Select); coding-DNA position 4838, G replaced by A.
Protein change: p.Gly1613Glu; replaces glycine 1613 with glutamic acid.
Molecular consequence: missense variant.
Genome position (GRCh38, 1-based): chr11:108,294,988, G>A. VCF-style: chr11-108294988-G-A. GRCh37 (hg19) VCF-style: chr11-108165715-G-A.
Other names: c.4838G>A, p.Gly1613Glu (NM_001351834.2); short protein forms G1613E.
Identifiers: ClinVar variation 3720459 (VCV003720459.2).